The following is an entry in ClinVar:

NM_007344.4(TTF1):c.472G>A (p.Ala158Thr)

Gene: TTF1 (transcription termination factor 1; minus strand). Cytogenetic location: 9q34.13.
Variant type: single nucleotide variant.
Coding change: c.472G>A on transcript NM_007344.4 (MANE Select); coding-DNA position 472, G replaced by A.
Protein change: p.Ala158Thr; replaces alanine 158 with threonine.
Molecular consequence: missense variant. On other transcripts: non-coding transcript variant (1), intron variant (1).
Genome position (GRCh38, 1-based): chr9:132,402,350, C>T on the plus strand (G>A on the coding strand, the complement: TTF1 is on the minus strand). VCF-style: chr9-132402350-C-T. GRCh37 (hg19) VCF-style: chr9-135277737-C-T.
Other names: c.-178-2092G>A (NM_001205296.2); short protein forms A158T.
Identifiers: ClinVar variation 3184429 (VCV003184429.15), dbSNP rs748912949, ClinGen allele CA5298773.

ClinVar aggregate classification (germline): Conflicting classifications of pathogenicity. Review status: criteria provided, conflicting classifications (1 of 4 stars). 2 submissions from 2 submitters: Uncertain significance (1); Likely benign (1). Last evaluated 2025-08-01.

Allele frequency attached by ClinVar (database versions not stated): TOPMed 0.00005; gnomAD 0.00006; ExAC 0.00007; gnomAD exomes 0.00005.
gnomAD v4.1: 86 of 1,614,024 alleles (0.0053%); highest among the groups gnomAD compares: Non-Finnish European, 0.0071%; no homozygotes.

Submissions (2):

Ambry Genetics
Classification: Uncertain significance. Last evaluated: 2025-08-01. Review status: criteria provided, single submitter. Criteria: Ambry Variant Classification Scheme 2023. Collection method: clinical testing. Allele origin: germline.

CeGaT Center for Human Genetics Tuebingen
Classification: Likely benign. Last evaluated: 2025-02-01. Review status: criteria provided, single submitter. Criteria: CeGaT Center For Human Genetics Tuebingen Variant Classification Criteria Version 2. Collection method: clinical testing. Allele origin: germline. Affected: yes. Observed: 1 variant allele.
Comment: TTF1: BP4